The following is an entry in ClinVar:

ClinVar aggregate classification (germline): Benign. Review status: criteria provided, multiple submitters, no conflicts (2 of 4 stars). 6 submissions from 6 submitters: Benign (5). 1 of the submissions does not count toward it. Last evaluated 2026-01-28.

Conditions:
Methylcrotonyl-CoA carboxylase deficiency. Also called: 3 Methylcrotonylglycinuria; Deficiency of methylcrotonoyl-CoA carboxylase; 3-MCC Deficiency. Identifiers: Orphanet 6, MedGen C4551505, MONDO:0018950.
3-methylcrotonyl-CoA carboxylase 2 deficiency. Also called: 3 alpha methylcrotonyl-CoA carboxylase 2 deficiency; 3 alpha methylcrotonylglycinuria 2; MCC 2 deficiency; Methylcrotonylglycinuria type 2; METHYLCROTONYLGLYCINURIA, TYPE II. Identifiers: Orphanet 6, MedGen C1859499, MONDO:0008862, OMIM 210210.

Allele frequency attached by ClinVar (database versions not stated): ESP Exome Variant Server 0.01215; gnomAD 0.00987 and 0.01062; 1000 Genomes Project 30x 0.01015; gnomAD exomes 0.00237; ExAC 0.00292; 1000 Genomes Project 0.00899; TOPMed 0.01097.
gnomAD v4.1: 2,814 of 1,612,588 alleles (0.17%); highest among the groups gnomAD compares: African/African-American, 3.4%; 48 homozygotes.

Submissions (6):

Labcorp Genetics (formerly Invitae), Labcorp
Classification: Benign for 3-methylcrotonyl-CoA carboxylase 2 deficiency. Last evaluated: 2026-01-28. Review status: criteria provided, single submitter. Criteria: Invitae Variant Classification Sherloc (09022015). Collection method: clinical testing. Allele origin: germline.

Illumina Laboratory Services, Illumina
Classification: Benign for 3-methylcrotonyl-CoA carboxylase 2 deficiency. Last evaluated: 2018-01-13. Review status: criteria provided, single submitter. Criteria: ICSL Variant Classification Criteria 13 December 2019. Collection method: clinical testing. Allele origin: germline.
Comment: This variant was observed in the ICSL laboratory as part of a predisposition screen in an ostensibly healthy population. It had not been previously curated by ICSL or reported in the Human Gene Mutation Database (HGMD: prior to June 1st, 2018), and was therefore a candidate for classification through an automated scoring system. Utilizing variant allele frequency, disease prevalence and penetrance estimates, and inheritance mode, an automated score was calculated to assess if this variant is too frequent to cause the disease. Based on the score and internal cut-off values, a variant classified as benign is not then subjected to further curation. The score for this variant resulted in a classification of benign for this disease.

GeneDx
Classification: Benign. Last evaluated: 2016-07-26. Review status: criteria provided, single submitter. Criteria: GeneDx Variant Classification (06012015). Collection method: clinical testing. Allele origin: germline. Affected: yes.
Comment: This variant is considered likely benign or benign based on one or more of the following criteria: it is a conservative change, it occurs at a poorly conserved position in the protein, it is predicted to be benign by multiple in silico algorithms, and/or has population frequency not consistent with disease.

Breakthrough Genomics
Classification: Benign. Review status: criteria provided, single submitter. Criteria: ACMG Guidelines, 2015. Collection method: not provided. Allele origin: germline. Inheritance: Autosomal recessive inheritance. Affected: yes.

PreventionGenetics, part of Exact Sciences
Classification: Benign. Review status: criteria provided, single submitter. Criteria: ACMG Guidelines, 2015. Collection method: clinical testing. Allele origin: germline.

Natera, Inc.
Classification: Benign for 3-methylcrotonylglycinuria. Last evaluated: 2020-09-16. Review status: no assertion criteria provided. Collection method: clinical testing. Allele origin: germline. Not counted in ClinVar's aggregate classification.

NM_022132.5(MCCC2):c.1578A>G (p.Val526=)

Gene: MCCC2 (methylcrotonyl-CoA carboxylase subunit 2; plus strand). Cytogenetic location: 5q13.2.
Variant type: single nucleotide variant.
Coding change: c.1578A>G on transcript NM_022132.5 (MANE Select); coding-DNA position 1578, A replaced by G.
Protein change: p.Val526=; no amino-acid change (valine 526 retained).
Molecular consequence: synonymous variant.
Genome position (GRCh38, 1-based): chr5:71,656,746, A>G. VCF-style: chr5-71656746-A-G. GRCh37 (hg19) VCF-style: chr5-70952573-A-G.
Other names: c.1464A>G, p.Val488= (NM_001363147.1).
Identifiers: ClinVar variation 261558 (VCV000261558.21), dbSNP rs114527907, ClinGen allele CA3298212.